The following is an entry in ClinVar:

NM_021942.6(TRAPPC11):c.898G>A (p.Asp300Asn)

Gene: TRAPPC11 (trafficking protein particle complex subunit 11; plus strand). Cytogenetic location: 4q35.1.
Variant type: single nucleotide variant.
Coding change: c.898G>A on transcript NM_021942.6 (MANE Select); coding-DNA position 898, G replaced by A.
Protein change: p.Asp300Asn; replaces aspartic acid 300 with asparagine.
Molecular consequence: missense variant.
Genome position (GRCh38, 1-based): chr4:183,679,419, G>A. VCF-style: chr4-183679419-G-A. GRCh37 (hg19) VCF-style: chr4-184600572-G-A.
Other names: c.898G>A, p.Asp300Asn (NM_199053.3); short protein forms D300N.
Identifiers: ClinVar variation 1476908 (VCV001476908.6), dbSNP rs138722849, ClinGen allele CA111845732.

ClinVar aggregate classification (germline): Uncertain significance (1 of 4 stars; one submission).

Conditions:
Autosomal recessive limb-girdle muscular dystrophy type R18 (LGMDR18). Also called: MUSCULAR DYSTROPHY, LIMB-GIRDLE, AUTOSOMAL RECESSIVE 18; Limb-girdle muscular dystrophy, type 2S; Autosomal recessive limb-girdle muscular dystrophy type 2S. Identifiers: Orphanet 369840, MedGen C4517996, MONDO:0014144, OMIM 615356.

Allele frequency attached by ClinVar (database versions not stated): gnomAD exomes below 0.00001; gnomAD 0.00001 and 0.00002; 1000 Genomes Project 30x 0.00016; 1000 Genomes Project 0.00020.
gnomAD v4.1: 8 of 1,612,782 alleles (0.0005%); highest among the groups gnomAD compares: East Asian, 0.0022%; no homozygotes.

Submission:

Labcorp Genetics (formerly Invitae), Labcorp
Classification: Uncertain significance for Autosomal recessive limb-girdle muscular dystrophy type R18. Last evaluated: 2022-11-08. Review status: criteria provided, single submitter. Criteria: Invitae Variant Classification Sherloc (09022015). Collection method: clinical testing. Allele origin: germline.
Comment: In summary, the available evidence is currently insufficient to determine the role of this variant in disease. Therefore, it has been classified as a Variant of Uncertain Significance. Advanced modeling of protein sequence and biophysical properties (such as structural, functional, and spatial information, amino acid conservation, physicochemical variation, residue mobility, and thermodynamic stability) performed at Invitae indicates that this missense variant is expected to disrupt TRAPPC11 protein function. ClinVar contains an entry for this variant (Variation ID: 1476908). This variant has not been reported in the literature in individuals affected with TRAPPC11-related conditions. This variant is present in population databases (rs138722849, gnomAD 0.007%). This sequence change replaces aspartic acid, which is acidic and polar, with asparagine, which is neutral and polar, at codon 300 of the TRAPPC11 protein (p.Asp300Asn).